The following is an entry in ClinVar:

ClinVar aggregate classification (germline): Uncertain significance (1 of 4 stars; one submission).

Conditions:
Intellectual developmental disorder, autosomal dominant 44, with microcephaly. Also called: Micrognathia-recurrent infections-behavioral abnormalities-mild intellectual disability syndrome; TRIO-Related Intellectual Disability. Identifiers: Orphanet 476126, MedGen C4310740, MONDO:0014892, OMIM 617061.

Submission:

3billion
Classification: Uncertain significance for Intellectual developmental disorder, autosomal dominant 44, with microcephaly. Last evaluated: 2025-07-30. Review status: criteria provided, single submitter. Criteria: ACMG Guidelines, 2015. Collection method: clinical testing. Allele origin: germline. Affected: yes.
Comment: The variant is not observed in the gnomAD v4.1.0 dataset. Predicted Consequence/Location: Intron variant In silico tools predict the variant to alter splicing and produce an abnormal transcript [SpliceAI: 0.51 (>=0.2, moderate evidence for spliceogenicity)]. Therefore, this variant is classified as VUS according to the recommendation of ACMG/AMP guideline.

NM_007118.4(TRIO):c.157+1392G>A

Gene: TRIO (trio Rho guanine nucleotide exchange factor; plus strand). Cytogenetic location: 5p15.2.
Variant type: single nucleotide variant.
Coding change: c.157+1392G>A on transcript NM_007118.4 (MANE Select); 1392 bases into the intron after coding-DNA position 157, G replaced by A.
Molecular consequence: intron variant.
Genome position (GRCh38, 1-based): chr5:14,145,274, G>A. VCF-style: chr5-14145274-G-A. GRCh37 (hg19) VCF-style: chr5-14145383-G-A.
Identifiers: ClinVar variation 4854228 (VCV004854228.1).